The following is an entry in ClinVar:

ClinVar aggregate classification (germline): Likely benign (1 of 4 stars; one submission).

gnomAD v4.1: 1 of 1,601,184 alleles (0.000062%); highest among the groups gnomAD compares: Non-Finnish European, 0.000085%; no homozygotes.

Submission:

Mayo Clinic Laboratories, Mayo Clinic
Classification: Likely benign. Last evaluated: 2025-06-17. Review status: criteria provided, single submitter. Criteria: ACMG Guidelines, 2015. Collection method: clinical testing. Allele origin: germline. Observed: 1 variant allele.
Comment: BP4, BP7

NM_001080414.4(CCDC88C):c.553C>T (p.Leu185=)

Gene: CCDC88C (coiled-coil and HOOK domain protein 88C; minus strand). Cytogenetic location: 14q32.11.
Variant type: single nucleotide variant.
Coding change: c.553C>T on transcript NM_001080414.4 (MANE Select); coding-DNA position 553, C replaced by T.
Protein change: p.Leu185=; no amino-acid change (leucine 185 retained).
Molecular consequence: synonymous variant. On other transcripts: non-coding transcript variant (2).
Genome position (GRCh38, 1-based): chr14:91,339,955, G>A on the plus strand (C>T on the coding strand, the complement: CCDC88C is on the minus strand). VCF-style: chr14-91339955-G-A. GRCh37 (hg19) VCF-style: chr14-91806299-G-A.
Other names: p.Leu185=.
Identifiers: ClinVar variation 4683922 (VCV004683922.1).